The following is an entry in ClinVar:

ClinVar aggregate classification (germline): Uncertain significance (1 of 4 stars; one submission).

Conditions:
Primary dilated cardiomyopathy (DCM). Also called: Dilated Cardiomyopathy. Identifiers: Orphanet 217604, MedGen C0007193, MeSH D002311, MONDO:0005021, HP:0001644. Inheritance: Various modes of inheritance.

Submission:

Labcorp Genetics (formerly Invitae), Labcorp
Classification: Uncertain significance for Primary dilated cardiomyopathy. Last evaluated: 2023-09-29. Review status: criteria provided, single submitter. Criteria: Invitae Variant Classification Sherloc (09022015). Collection method: clinical testing. Allele origin: unknown.
Comment: This variant is a gross deletion of the genomic region encompassing exon(s) 15-16 of the NEBL gene. This variant would be expected to be in-frame, preserving the integrity of the reading frame. This variant has not been reported in the literature in individuals affected with NEBL-related conditions. Experimental studies and prediction algorithms are not available or were not evaluated, and the functional significance of this variant is currently unknown. In summary, the available evidence is currently insufficient to determine the role of this variant in disease. Therefore, it has been classified as a Variant of Uncertain Significance.

NC_000010.10:g.(?_21120105)_(21120532_?)del

Gene: NEBL (nebulette; minus strand). Cytogenetic location: 10p12.31.
Variant type: Deletion.
Identifiers: ClinVar variation 3244807 (VCV003244807.1).